The following is an entry in ClinVar:

ClinVar aggregate classification (germline): Uncertain significance (1 of 4 stars; one submission).

Conditions:
Autosomal recessive spinocerebellar ataxia 12. Also called: SPINOCEREBELLAR ATAXIA WITH MENTAL RETARDATION AND EPILEPSY. Identifiers: Orphanet 284282, MedGen C3280452, MONDO:0013687, OMIM 614322.
Developmental and epileptic encephalopathy, 1 (DEE1). Also called: Epileptic encephalopathy, early infantile, 1; X-linked infantile spasms; West's syndrome; Tonic spasms with clustering, arrest of psychomotor development and hypsarrhythmia on EEG; X-Linked Infantile Spasm Syndrome; INFANTILE SPASM SYNDROME, X-LINKED 1. Identifiers: MedGen C3463992, MONDO:0010632, OMIM 308350. Disease mechanism: loss of function.

Submission:

Labcorp Genetics (formerly Invitae), Labcorp
Classification: Uncertain significance for Developmental and epileptic encephalopathy, 1; Autosomal recessive spinocerebellar ataxia 12. Last evaluated: 2026-01-21. Review status: criteria provided, single submitter. Criteria: Invitae Variant Classification Sherloc (09022015). Collection method: clinical testing. Allele origin: germline.
Comment: This sequence change is expected to alter the c-terminus of the WWOX protein (p.Ala394Aspfs*124). While this is not anticipated to result in nonsense mediated decay, it is expected to disrupt the last 21 amino acid(s) of the WWOX protein and extend the protein by 102 additional amino acid residues. This variant is not present in population databases (gnomAD no frequency). This variant has not been reported in the literature in individuals affected with WWOX-related conditions. ClinVar contains an entry for this variant (Variation ID: 410090). In summary, the available evidence is currently insufficient to determine the role of this variant in disease. Therefore, it has been classified as a Variant of Uncertain Significance.

NM_016373.4(WWOX):c.1179_1210del (p.Ala394fs)

Genes: MAF (MAF bZIP transcription factor; minus strand), WWOX (WW domain containing oxidoreductase; plus strand). Cytogenetic location: 16q23.2.
Variant type: Deletion.
Coding change: c.1179_1210del on transcript NM_016373.4 (MANE Select); coding-DNA positions 1179 to 1210, 32 bases deleted.
Protein change: p.Ala394fs; shifts the reading frame from alanine 394.
Molecular consequence: frameshift variant.
Genome position (GRCh38, 1-based): chr16:79,211,730-79,211,761, 32 bases deleted; deleting any 32 consecutive bases within chr16:79,211,729-79,211,761 gives the same sequence; the c. name uses the placement nearest the transcript's 3' end. GRCh37 (hg19): chr16:79,245,627-79,245,658.
Other names: c.840_871del, p.Ala281fs (NM_001291997.2); short protein forms A281fs, A394fs.
Identifiers: ClinVar variation 410090 (VCV000410090.11), dbSNP rs1064792969, ClinGen allele CA16615008.